The following is an entry in ClinVar:

ClinVar aggregate classification (germline): Uncertain significance. Review status: criteria provided, multiple submitters, no conflicts (2 of 4 stars). 2 submissions from 2 submitters: Uncertain significance (2). Last evaluated 2025-04-06.

Conditions:
Hereditary nonpolyposis colorectal neoplasms. Identifiers: MedGen C0009405, MeSH D003123.
Hereditary cancer-predisposing syndrome. Also called: Hereditary Cancer Syndrome; Tumor predisposition; Neoplastic Syndromes, Hereditary; Hereditary neoplastic syndrome. Identifiers: Orphanet 140162, MedGen C0027672, MeSH D009386, MONDO:0015356.

Submissions (2):

Ambry Genetics
Classification: Uncertain significance for Hereditary cancer-predisposing syndrome. Last evaluated: 2025-04-06. Review status: criteria provided, single submitter. Criteria: Ambry Variant Classification Scheme 2023. Collection method: clinical testing. Allele origin: germline.
Comment: The p.H826Q variant (also known as c.2478T>G), located in coding exon 4 of the MSH6 gene, results from a T to G substitution at nucleotide position 2478. The histidine at codon 826 is replaced by glutamine, an amino acid with highly similar properties. This amino acid position is conserved. In addition, this alteration is predicted to be deleterious by in silico analysis. Based on the available evidence, the clinical significance of this variant remains unclear.

Labcorp Genetics (formerly Invitae), Labcorp
Classification: Uncertain significance for Hereditary nonpolyposis colorectal neoplasms. Last evaluated: 2020-09-30. Review status: criteria provided, single submitter. Criteria: Invitae Variant Classification Sherloc (09022015). Collection method: clinical testing. Allele origin: germline.
Comment: This sequence change replaces histidine with glutamine at codon 826 of the MSH6 protein (p.His826Gln). The histidine residue is highly conserved and there is a small physicochemical difference between histidine and glutamine. This variant is not present in population databases (ExAC no frequency). This variant has not been reported in the literature in individuals with MSH6-related conditions. Advanced modeling of protein sequence and biophysical properties (such as structural, functional, and spatial information, amino acid conservation, physicochemical variation, residue mobility, and thermodynamic stability) performed at Invitae indicates that this missense variant is expected to disrupt MSH6 protein function. In summary, the available evidence is currently insufficient to determine the role of this variant in disease. Therefore, it has been classified as a Variant of Uncertain Significance.

NM_000179.3(MSH6):c.2478T>G (p.His826Gln)

Gene: MSH6 (mutS homolog 6; plus strand). Cytogenetic location: 2p16.3.
Variant type: single nucleotide variant.
Coding change: c.2478T>G on transcript NM_000179.3 (MANE Select); coding-DNA position 2478, T replaced by G.
Protein change: p.His826Gln; replaces histidine 826 with glutamine.
Molecular consequence: missense variant.
Genome position (GRCh38, 1-based): chr2:47,800,461, T>G. VCF-style: chr2-47800461-T-G. GRCh37 (hg19) VCF-style: chr2-48027600-T-G.
Other names: c.2088T>G, p.His696Gln (NM_001281492.2); c.1572T>G, p.His524Gln (NM_001281493.2, NM_001281494.2); c.2478T>G (NM_000179.2); short protein forms H524Q, H696Q, H826Q.
Identifiers: ClinVar variation 1014625 (VCV001014625.10), dbSNP rs1572727338, ClinGen allele CA346754158.
Genomic context (GRCh38, chr2:47,800,461, plus strand): 5'-CGAAGTTGTAGAGCTTCTAAAGAAGCTTCCAGATCTTGAGAGGCTACTCAGTAAAATTCA[T>G]AATGTTGGGTCTCCCCTGAAGAGTCAGAACCACCCAGACAGCAGGGCTATAATGTATGAA-3'
Protein context (NP_000170.1, residues 816-836): PDLERLLSKI[His826Gln]NVGSPLKSQN